The following is an entry in ClinVar:

NM_007357.3(COG2):c.1133A>G (p.Lys378Arg)

Gene: COG2 (component of oligomeric golgi complex 2; plus strand). Cytogenetic location: 1q42.2.
Variant type: single nucleotide variant.
Coding change: c.1133A>G on transcript NM_007357.3 (MANE Select); coding-DNA position 1133, A replaced by G.
Protein change: p.Lys378Arg; replaces lysine 378 with arginine.
Molecular consequence: missense variant.
Genome position (GRCh38, 1-based): chr1:230,679,019, A>G. VCF-style: chr1-230679019-A-G. GRCh37 (hg19) VCF-style: chr1-230814765-A-G.
Other names: c.1133A>G, p.Lys378Arg (NM_001145036.2); short protein forms K378R.
Identifiers: ClinVar variation 1420836 (VCV001420836.8), dbSNP rs773980476, ClinGen allele CA1447665.

ClinVar aggregate classification (germline): Uncertain significance (1 of 4 stars; one submission).

Conditions:
Congenital disorder of glycosylation, type IIq. Also called: CDG IIq. Identifiers: Orphanet 435934, MedGen C4479353, MONDO:0054559, OMIM 617395.

Allele frequency attached by ClinVar (database versions not stated): gnomAD exomes below 0.00001; ExAC 0.00001.
gnomAD v4.1: 1 of 1,613,536 alleles (0.000062%); highest among the groups gnomAD compares: Non-Finnish European, 0.000085%; no homozygotes.

Submission:

Labcorp Genetics (formerly Invitae), Labcorp
Classification: Uncertain significance for Congenital disorder of glycosylation, type IIq. Last evaluated: 2022-06-13. Review status: criteria provided, single submitter. Criteria: Invitae Variant Classification Sherloc (09022015). Collection method: clinical testing. Allele origin: germline.
Comment: In summary, the available evidence is currently insufficient to determine the role of this variant in disease. Therefore, it has been classified as a Variant of Uncertain Significance. Algorithms developed to predict the effect of missense changes on protein structure and function (SIFT, PolyPhen-2, Align-GVGD) all suggest that this variant is likely to be tolerated. This variant has not been reported in the literature in individuals affected with COG2-related conditions. This variant is present in population databases (rs773980476, gnomAD 0.003%). This sequence change replaces lysine, which is basic and polar, with arginine, which is basic and polar, at codon 378 of the COG2 protein (p.Lys378Arg).